The following is an entry in ClinVar:

ClinVar aggregate classification (germline): Uncertain significance. Review status: criteria provided, multiple submitters, no conflicts (2 of 4 stars). 2 submissions from 2 submitters: Uncertain significance (2). Last evaluated 2021-09-15.

Allele frequency attached by ClinVar (database versions not stated): ESP Exome Variant Server 0.00008.
gnomAD v4.1: 34 of 1,613,988 alleles (0.0021%); highest among the groups gnomAD compares: Non-Finnish European, 0.00093%; no homozygotes.

Submissions (2):

Labcorp Genetics (formerly Invitae), Labcorp
Classification: Uncertain significance. Last evaluated: 2021-09-15. Review status: criteria provided, single submitter. Criteria: Invitae Variant Classification Sherloc (09022015). Collection method: clinical testing. Allele origin: germline.
Comment: This sequence change replaces aspartic acid with asparagine at codon 3074 of the SPEG protein (p.Asp3074Asn). The aspartic acid residue is highly conserved and there is a small physicochemical difference between aspartic acid and asparagine. This variant is present in population databases (rs373312375, ExAC 0.005%). This variant has not been reported in the literature in individuals affected with SPEG-related conditions. Algorithms developed to predict the effect of missense changes on protein structure and function are either unavailable or do not agree on the potential impact of this missense change (SIFT: "Deleterious"; PolyPhen-2: "Possibly Damaging"; Align-GVGD: "Class C0"). In summary, the available evidence is currently insufficient to determine the role of this variant in disease. Therefore, it has been classified as a Variant of Uncertain Significance.

Breakthrough Genomics
Classification: Uncertain significance. Review status: criteria provided, single submitter. Criteria: ACMG Guidelines, 2015. Collection method: not provided. Allele origin: germline. Inheritance: Autosomal recessive inheritance. Affected: yes.

NM_005876.5(SPEG):c.9220G>A (p.Asp3074Asn)

Genes: ASIC4-AS1 (ASIC4 antisense RNA 1; minus strand), SPEG (striated muscle enriched protein kinase; plus strand). Cytogenetic location: 2q35.
Variant type: single nucleotide variant.
Coding change: c.9220G>A on transcript NM_005876.5 (MANE Select); coding-DNA position 9220, G replaced by A.
Protein change: p.Asp3074Asn; replaces aspartic acid 3074 with asparagine.
Molecular consequence: missense variant.
Genome position (GRCh38, 1-based): chr2:219,490,791, G>A. VCF-style: chr2-219490791-G-A. GRCh37 (hg19) VCF-style: chr2-220355513-G-A.
Other names: short protein forms D3074N.
Identifiers: ClinVar variation 1376589 (VCV001376589.4), dbSNP rs373312375, ClinGen allele CA2127703.